The following is an entry in ClinVar:

ClinVar aggregate classification (germline): Uncertain significance. Review status: criteria provided, single submitter (1 of 4 stars). 2 submissions from 2 submitters: Uncertain significance (1). 1 of the submissions does not count toward it. Last evaluated 2025-05-20.

Conditions:
Polycystic kidney disease. Also called: Polycystic kidney dysplasia; Kidney, Polycystic. Identifiers: MedGen C0022680, MeSH D007690, MONDO:0020642, HP:0000113.

Allele frequency attached by ClinVar (database versions not stated): gnomAD exomes below 0.00001.
gnomAD v4.1: 2 of 1,603,228 alleles (0.00012%); highest among the groups gnomAD compares: South Asian, 0.0011%; no homozygotes.

Submissions (2):

GeneDx
Classification: Uncertain significance. Last evaluated: 2025-05-20. Review status: criteria provided, single submitter. Criteria: GeneDx Variant Classification Process June 2021. Collection method: clinical testing. Allele origin: germline. Affected: yes.
Comment: Not observed at significant frequency in large population cohorts (gnomAD); In silico analysis suggests that this missense variant does not alter protein structure/function; This variant is associated with the following publications: (PMID: 27499327, 18077784)

Department of Pathology and Laboratory Medicine, Sinai Health System
Classification: Uncertain significance for Polycystic Kidney disease. Review status: no assertion criteria provided. Collection method: clinical testing. Allele origin: unknown. Affected: yes. Study: The Canadian Open Genetics Repository (COGR). Not counted in ClinVar's aggregate classification.
Comment: The PKD1 p.Leu2021Pro variant was identified in 1 of 1286 proband chromosomes (frequency: 0.0008) from individuals or families with ADPKD (Carrera 2016). The variant was also identified in ADPKD Mutation Database (as â€šÃ„Ãºindeterminateâ€šÃ„Ã¹). The variant was not identified in dbSNP, ClinVar, LOVD 3.0, PKD1-LOVD databases, the Exome Aggregation Consortium (August 8th 2016) or the Genome Aggregation Database (Feb 27, 2017). The p.Leu2021 residue is conserved in mammals and computational analyses (PolyPhen-2, SIFT, AlignGVGD, BLOSUM, MutationTaster) provide inconsistent predictions regarding the impact to the protein; this information is not very predictive of pathogenicity. The variant occurs outside of the splicing consensus sequence and in silico or computational prediction software programs (SpliceSiteFinder, MaxEntScan, NNSPLICE, GeneSplicer) do not predict a difference in splicing. In summary, based on the above information, the clinical significance of this variant cannot be determined with certainty at this time. This variant is classified as a variant of uncertain significance.

NM_001009944.3(PKD1):c.6062T>C (p.Leu2021Pro)

Gene: PKD1 (polycystin 1, transient receptor potential channel interacting; minus strand). Cytogenetic location: 16p13.3.
Variant type: single nucleotide variant.
Coding change: c.6062T>C on transcript NM_001009944.3 (MANE Select); coding-DNA position 6062, T replaced by C.
Protein change: p.Leu2021Pro; replaces leucine 2021 with proline.
Molecular consequence: missense variant.
Genome position (GRCh38, 1-based): chr16:2,109,105, A>G on the plus strand (T>C on the coding strand, the complement: PKD1 is on the minus strand). VCF-style: chr16-2109105-A-G. GRCh37 (hg19) VCF-style: chr16-2159106-A-G.
Other names: c.6062T>C, p.Leu2021Pro (NM_000296.4); short protein forms L2021P.
Identifiers: ClinVar variation 997120 (VCV000997120.4), dbSNP rs2092435927, ClinGen allele CA394374527.